The following is an entry in ClinVar:

NM_001134363.3(RBM20):c.1135G>A (p.Gly379Arg)

Gene: RBM20 (RNA binding motif protein 20; plus strand). Cytogenetic location: 10q25.2.
Variant type: single nucleotide variant.
Coding change: c.1135G>A on transcript NM_001134363.3 (MANE Select); coding-DNA position 1135, G replaced by A.
Protein change: p.Gly379Arg; replaces glycine 379 with arginine.
Molecular consequence: missense variant.
Genome position (GRCh38, 1-based): chr10:110,781,744, G>A. VCF-style: chr10-110781744-G-A. GRCh37 (hg19) VCF-style: chr10-112541502-G-A.
Other names: c.1135G>A (LRG_382t1); short protein forms G379R.
Identifiers: ClinVar variation 298792 (VCV000298792.23), dbSNP rs199842148, ClinGen allele CA5688556.

ClinVar aggregate classification (germline): Conflicting classifications of pathogenicity. Review status: criteria provided, conflicting classifications (1 of 4 stars). 8 submissions from 8 submitters: Uncertain significance (1); Benign (1); Likely benign (4). 2 of the submissions do not count toward it. Last evaluated 2026-01-27.

Conditions:
Cardiomyopathy (CMYO). Also called: Cardiomyopathies. Identifiers: Orphanet 167848, MedGen C0878544, MONDO:0004994, HP:0001638. Inheritance: Various modes of inheritance.
Dilated cardiomyopathy 1DD (CMD1DD). Identifiers: Orphanet 154, MedGen C2750995, MONDO:0013168, OMIM 613172.
Cardiovascular phenotype. Identifiers: MedGen CN230736.

Allele frequency attached by ClinVar (database versions not stated): gnomAD 0.00002 and 0.00009; TOPMed 0.00005; 1000 Genomes Project 30x 0.00016; 1000 Genomes Project 0.00020; gnomAD exomes 0.00021 and 0.00048; ExAC 0.00087.
gnomAD v4.1: 306 of 1,551,880 alleles (0.02%); highest among the groups gnomAD compares: South Asian, 0.28%; 1 homozygote.

Submissions (8):

Labcorp Genetics (formerly Invitae), Labcorp
Classification: Likely benign for Dilated cardiomyopathy 1DD. Last evaluated: 2026-01-27. Review status: criteria provided, single submitter. Criteria: Invitae Variant Classification Sherloc (09022015). Collection method: clinical testing. Allele origin: germline.

Blueprint Genetics
Classification: Likely benign. Last evaluated: 2024-11-26. Review status: criteria provided, single submitter. Criteria: ACMG Guidelines, 2015. Collection method: clinical testing. Allele origin: germline.

CHEO Genetics Diagnostic Laboratory, Children's Hospital of Eastern Ontario
Classification: Benign for Cardiomyopathy. Last evaluated: 2021-07-15. Review status: criteria provided, single submitter. Criteria: ACMG Guidelines, 2015. Collection method: clinical testing. Allele origin: germline.

Ambry Genetics
Classification: Likely benign for Cardiovascular phenotype. Last evaluated: 2018-08-01. Review status: criteria provided, single submitter. Criteria: Ambry Variant Classification Scheme 2023. Collection method: clinical testing. Allele origin: germline.

Illumina Laboratory Services, Illumina
Classification: Uncertain significance for Dilated cardiomyopathy 1DD. Last evaluated: 2018-01-12. Review status: criteria provided, single submitter. Criteria: ICSL Variant Classification Criteria 13 December 2019. Collection method: clinical testing. Allele origin: germline.

GeneDx
Classification: Likely benign. Last evaluated: 2016-09-15. Review status: criteria provided, single submitter. Criteria: GeneDx Variant Classification (06012015). Collection method: clinical testing. Allele origin: germline. Affected: yes.
Comment: This variant is considered likely benign or benign based on one or more of the following criteria: it is a conservative change, it occurs at a poorly conserved position in the protein, it is predicted to be benign by multiple in silico algorithms, and/or has population frequency not consistent with disease.

Clinical Genetics DNA and cytogenetics Diagnostics Lab, Erasmus MC, Erasmus Medical Center
Classification: Likely benign. Review status: no assertion criteria provided. Collection method: clinical testing. Allele origin: germline. Affected: yes. Study: VKGL Data-share Consensus. Not counted in ClinVar's aggregate classification.

Clinical Genetics, Academic Medical Center
Classification: Likely benign. Review status: no assertion criteria provided. Collection method: clinical testing. Allele origin: germline. Affected: yes. Study: VKGL Data-share Consensus. Not counted in ClinVar's aggregate classification.